The following is an entry in ClinVar:

NM_130384.3(ATRIP):c.2360A>G (p.Glu787Gly)

Genes: ATRIP (ATR interacting protein; plus strand), ATRIP-TREX1 (ATRIP-TREX1 readthrough; plus strand), LOC129936704 (ATAC-STARR-seq lymphoblastoid active region 19829; plus strand). Cytogenetic location: 3p21.31.
Variant type: single nucleotide variant.
Coding change: c.2360A>G on transcript NM_130384.3 (MANE Select); coding-DNA position 2360, A replaced by G.
Protein change: p.Glu787Gly; replaces glutamic acid 787 with glycine.
Molecular consequence: missense variant. On other transcripts: non-coding transcript variant (1).
Genome position (GRCh38, 1-based): chr3:48,465,538, A>G. VCF-style: chr3-48465538-A-G. GRCh37 (hg19) VCF-style: chr3-48506937-A-G.
Other names: c.-798A>G (NM_033629.4); c.1979A>G, p.Glu660Gly (NM_001271022.2); c.2081A>G, p.Glu694Gly (NM_001271023.2); c.2279A>G, p.Glu760Gly (NM_032166.4); short protein forms E760G, E694G, E660G, E787G.
Identifiers: ClinVar variation 3132127 (VCV003132127.2), dbSNP rs2040260116, ClinGen allele CA352615529.
Genomic context (GRCh38, chr3:48,465,538, plus strand): 5'-TTGTCTCAGAGGCAGCCCTGGATGACCTCTGTGCCGCGGAAACCGATGTGGAAGACCCCG[A>G]GGTGGAGTGTGGCTGAGGCCCTGAGTGTCCAGCCACATGGTGGCACCAGCACCACTCCTT-3'
Protein context (NP_569055.1, residues 777-791): CAAETDVEDP[Glu787Gly]VECG

ClinVar aggregate classification (germline): Uncertain significance (1 of 4 stars; one submission).

Allele frequency attached by ClinVar (database versions not stated): TOPMed 0.00002; gnomAD exomes below 0.00001; gnomAD 0.00001.

Submission:

Ambry Genetics
Classification: Uncertain significance. Last evaluated: 2025-01-27. Review status: criteria provided, single submitter. Criteria: Ambry Variant Classification Scheme 2023. Collection method: clinical testing. Allele origin: germline.
Comment: The p.E787G variant (also known as c.2360A>G), located in coding exon 13 of the ATRIP gene, results from an A to G substitution at nucleotide position 2360. The glutamic acid at codon 787 is replaced by glycine, an amino acid with similar properties. This amino acid position is conserved. In addition, this alteration is predicted to be tolerated by in silico analysis. Based on the available evidence, the clinical significance of this variant remains unclear.